The following is an entry in ClinVar:

NM_024408.4(NOTCH2):c.2924G>C (p.Cys975Ser)

Gene: NOTCH2 (notch receptor 2; minus strand). Cytogenetic location: 1p12.
Variant type: single nucleotide variant.
Coding change: c.2924G>C on transcript NM_024408.4 (MANE Select); coding-DNA position 2924, G replaced by C.
Protein change: p.Cys975Ser; replaces cysteine 975 with serine.
Molecular consequence: missense variant.
Genome position (GRCh38, 1-based): chr1:119,941,583, C>G on the plus strand (G>C on the coding strand, the complement: NOTCH2 is on the minus strand). VCF-style: chr1-119941583-C-G. GRCh37 (hg19) VCF-style: chr1-120484206-C-G.
Other names: c.2924G>C (NM_024408.3); c.2924G>C, p.Cys975Ser (NM_001200001.2); short protein forms C975S.
Identifiers: ClinVar variation 3663220 (VCV003663220.4).

ClinVar aggregate classification (germline): Uncertain significance. Review status: criteria provided, multiple submitters, no conflicts (2 of 4 stars). 3 submissions from 3 submitters: Uncertain significance (3). Last evaluated 2024-12-19.

Conditions:
Hajdu-Cheney syndrome (HJCYS). Also called: ACROOSTEOLYSIS WITH OSTEOPOROSIS AND CHANGES IN SKULL AND MANDIBLE; SERPENTINE FIBULA-POLYCYSTIC KIDNEY SYNDROME; Acroosteolysis dominant type. Identifiers: Orphanet 955, MedGen C0917715, MONDO:0007057, OMIM 102500.
NOTCH2-related disorder. Also called: NOTCH2-related condition.

Submissions (3):

GeneDx
Classification: Uncertain significance. Last evaluated: 2024-12-19. Review status: criteria provided, single submitter. Criteria: GeneDx Variant Classification Process June 2021. Collection method: clinical testing. Allele origin: germline. Affected: yes.
Comment: Not observed at significant frequency in large population cohorts (gnomAD); In silico analysis supports that this missense variant has a deleterious effect on protein structure/function; Has not been previously published as pathogenic or benign to our knowledge

PreventionGenetics, part of Exact Sciences
Classification: Uncertain significance for NOTCH2-related condition. Last evaluated: 2024-12-03. Review status: criteria provided, single submitter. Criteria: ACMG Guidelines, 2015. Collection method: clinical testing. Allele origin: germline.
Comment: The NOTCH2 c.2924G>C variant is predicted to result in the amino acid substitution p.Cys975Ser. To our knowledge, this variant has not been reported in the literature or in a large population database (gnomAD), indicating this variant is rare. At this time, the clinical significance of this variant is uncertain due to the absence of conclusive functional and genetic evidence.

Labcorp Genetics (formerly Invitae), Labcorp
Classification: Uncertain significance for Hajdu-Cheney syndrome. Last evaluated: 2024-08-21. Review status: criteria provided, single submitter. Criteria: Invitae Variant Classification Sherloc (09022015). Collection method: clinical testing. Allele origin: germline.
Comment: This sequence change replaces cysteine, which is neutral and slightly polar, with serine, which is neutral and polar, at codon 975 of the NOTCH2 protein (p.Cys975Ser). This variant is not present in population databases (gnomAD no frequency). This variant has not been reported in the literature in individuals affected with NOTCH2-related conditions. Invitae Evidence Modeling of protein sequence and biophysical properties (such as structural, functional, and spatial information, amino acid conservation, physicochemical variation, residue mobility, and thermodynamic stability) indicates that this missense variant is expected to disrupt NOTCH2 protein function with a positive predictive value of 80%. In summary, the available evidence is currently insufficient to determine the role of this variant in disease. Therefore, it has been classified as a Variant of Uncertain Significance.